The following is an entry in ClinVar:

ClinVar aggregate classification (germline): Uncertain significance (1 of 4 stars; one submission).

Conditions:
Multiple acyl-CoA dehydrogenase deficiency (MADD). Also called: ETHYLMALONIC-ADIPICACIDURIA; GA II; Glutaric aciduria, type 2; Glutaric Acidemia type 2; Glutaric acidemia type II; GA 2. Identifiers: Orphanet 26791, MedGen C0268596, MONDO:0009282, OMIM 231680.

Submission:

Labcorp Genetics (formerly Invitae), Labcorp
Classification: Uncertain significance for Multiple acyl-CoA dehydrogenase deficiency. Last evaluated: 2019-05-06. Review status: criteria provided, single submitter. Criteria: Invitae Variant Classification Sherloc (09022015). Collection method: clinical testing. Allele origin: germline.
Comment: In summary, the available evidence is currently insufficient to determine the role of this variant in disease. Therefore, it has been classified as a Variant of Uncertain Significance. This variant has not been reported in the literature in individuals with ETFDH-related conditions. This variant is not present in population databases (ExAC no frequency). This variant, c.1781_1783dup, results in the insertion of 1 amino acid(s) to the ETFDH protein (p.Ile594dup), but otherwise preserves the integrity of the reading frame.

NM_004453.4(ETFDH):c.1781_1783dup (p.Ile594dup)

Gene: ETFDH (electron transfer flavoprotein dehydrogenase; plus strand). Cytogenetic location: 4q32.1.
Variant type: Duplication.
Coding change: c.1781_1783dup on transcript NM_004453.4 (MANE Select); coding-DNA positions 1781 to 1783, 3 bases duplicated (TTA; older notation c.1781_1783dupTTA).
Protein change: p.Ile594dup; duplicates isoleucine 594.
Molecular consequence: inframe insertion.
Genome position (GRCh38, 1-based): chr4:158,708,454-158,708,456, TTA duplicated; duplicating any 3 consecutive bases within chr4:158,708,452-158,708,456 gives the same sequence; the c. name uses the placement nearest the transcript's 3' end. VCF-style (leftmost placement, unchanged base first): chr4-158708451-A-ATAT. GRCh37 (hg19) VCF-style: chr4-159629603-A-ATAT.
Other names: c.1640_1642dup, p.Ile547dup (NM_001281737.2); c.1598_1600dup, p.Ile533dup (NM_001281738.1).
Identifiers: ClinVar variation 946922 (VCV000946922.10), dbSNP rs1774700761, ClinGen allele CA1139658691.